The following is an entry in ClinVar:

NM_004370.6(COL12A1):c.7546T>C (p.Tyr2516His)

Gene: COL12A1 (collagen type XII alpha 1 chain; minus strand). Cytogenetic location: 6q13.
Variant type: single nucleotide variant.
Coding change: c.7546T>C on transcript NM_004370.6 (MANE Select); coding-DNA position 7546, T replaced by C.
Protein change: p.Tyr2516His; replaces tyrosine 2516 with histidine.
Molecular consequence: missense variant.
Genome position (GRCh38, 1-based): chr6:75,116,031, A>G on the plus strand (T>C on the coding strand, the complement: COL12A1 is on the minus strand). VCF-style: chr6-75116031-A-G. GRCh37 (hg19) VCF-style: chr6-75825747-A-G.
Other names: c.4054T>C, p.Tyr1352His (NM_080645.3); short protein forms Y2516H, Y1352H.
Identifiers: ClinVar variation 1985518 (VCV001985518.4), dbSNP rs2533182488, ClinGen allele CA364745885.

ClinVar aggregate classification (germline): Uncertain significance (1 of 4 stars; one submission).

Conditions:
Ullrich congenital muscular dystrophy 2 (UCMD2). Identifiers: Orphanet 75840, MedGen C4225314, MONDO:0014654, OMIM 616470.
Bethlem myopathy 2 (BTHLM2). Identifiers: Orphanet 536516, Orphanet 610, MedGen C4225313, MONDO:0034022, OMIM 616471.

Allele frequency attached by ClinVar (database versions not stated): gnomAD exomes below 0.00001.
gnomAD v4.1: 1 of 1,613,460 alleles (0.000062%); highest among the groups gnomAD compares: Non-Finnish European, 0.000085%; no homozygotes.

Submission:

Labcorp Genetics (formerly Invitae), Labcorp
Classification: Uncertain significance for Bethlem myopathy 2; Ullrich congenital muscular dystrophy 2. Last evaluated: 2022-07-14. Review status: criteria provided, single submitter. Criteria: Invitae Variant Classification Sherloc (09022015). Collection method: clinical testing. Allele origin: germline.
Comment: This variant has not been reported in the literature in individuals affected with COL12A1-related conditions. This variant is not present in population databases (gnomAD no frequency). This sequence change replaces tyrosine, which is neutral and polar, with histidine, which is basic and polar, at codon 2516 of the COL12A1 protein (p.Tyr2516His). Algorithms developed to predict the effect of missense changes on protein structure and function (SIFT, PolyPhen-2, Align-GVGD) all suggest that this variant is likely to be disruptive. In summary, the available evidence is currently insufficient to determine the role of this variant in disease. Therefore, it has been classified as a Variant of Uncertain Significance.